The following is an entry in ClinVar:

NM_001282531.3(ADNP):c.1754dup (p.Asn585fs)

Gene: ADNP (activity dependent neuroprotector homeobox; minus strand). Cytogenetic location: 20q13.13.
Variant type: Duplication.
Coding change: c.1754dup on transcript NM_001282531.3 (MANE Select); coding-DNA position 1754, one base duplicated (A; older notation c.1754dupA).
Protein change: p.Asn585fs; shifts the reading frame from asparagine 585.
Molecular consequence: frameshift variant.
Genome position (GRCh38, 1-based): chr20:50,892,960, T duplicated on the plus strand (A on the coding strand, the reverse complement: ADNP is on the minus strand); the first of 4 consecutive T bases (chr20:50,892,960-50,892,963); duplicating any one gives the same sequence. VCF-style (leftmost placement, unchanged base first): chr20-50892959-A-AT. GRCh37 (hg19) VCF-style: chr20-49509496-A-AT.
Other names: c.1754dupA (NM_015339.2); c.1754dup (NM_015339.2); c.1754dup, p.Asn585fs (NM_001282532.2, NM_001347511.2, NM_015339.5 and 1 more transcripts); short protein forms N585fs.
Identifiers: ClinVar variation 421870 (VCV000421870.3), dbSNP rs1555810163, ClinGen allele CA16620935.

ClinVar aggregate classification (germline): Likely pathogenic (1 of 4 stars; one submission).

Submission:

GeneDx
Classification: Likely pathogenic. Last evaluated: 2026-01-05. Review status: criteria provided, single submitter. Criteria: GeneDx Variant Classification Process June 2021. Collection method: clinical testing. Allele origin: germline. Affected: yes.
Comment: Observed in an individual with autism and intellectual disability in published literature; however detailed clinical and segregation data were not provided in this report (PMID: 29724491); Frameshift variant predicted to result in abnormal protein length as the last 518 amino acid(s) are replaced with 1 different amino acid(s), and other similar variants have been reported in HGMD; Not observed at significant frequency in large population cohorts (gnomAD); This variant is associated with the following publications: (PMID: 29724491)